The following is an entry in ClinVar:

ClinVar aggregate classification (germline): not provided (0 of 4 stars; one submission).

Conditions:
Familial long QT syndrome (RWS). Also called: Congenital long QT syndrome; Romano-Ward syndrome; VENTRICULAR FIBRILLATION WITH PROLONGED QT INTERVAL. Identifiers: Orphanet 768, MedGen C1141890, MONDO:0019171.

Submission:

Cardiovascular Biomedical Research Unit, Royal Brompton & Harefield NHS Foundation Trust
No classification provided. Condition: Familial long QT syndrome. Review status: no classification provided. Collection method: literature only. Allele origin: germline.
Comment: This variant has been reported as associated with Long QT syndrome in the following publications (PMID:16831322;PMID:19716085). This is a literature report, and does not necessarily reflect the clinical interpretation of the Imperial College / Royal Brompton Cardiovascular Genetics laboratory.

Literature cited by the submitters: PubMed 16831322; PubMed 19716085; PubMed 22581653.

NM_000238.4(KCNH2):c.1424A>G (p.Tyr475Cys)

Gene: KCNH2 (potassium voltage-gated channel subfamily H member 2; minus strand). Cytogenetic location: 7q36.1.
Variant type: single nucleotide variant.
Coding change: c.1424A>G on transcript NM_000238.4 (MANE Select); coding-DNA position 1424, A replaced by G.
Protein change: p.Tyr475Cys; replaces tyrosine 475 with cysteine.
Molecular consequence: missense variant.
Genome position (GRCh38, 1-based): chr7:150,952,558, T>C on the plus strand (A>G on the coding strand, the complement: KCNH2 is on the minus strand). VCF-style: chr7-150952558-T-C. GRCh37 (hg19) VCF-style: chr7-150649646-T-C.
Other names: c.1424A>G (LRG_288t1); c.404A>G, p.Tyr135Cys (NM_001204798.2, NM_172057.3); c.1136A>G, p.Tyr379Cys (NM_001406753.1, NM_001406756.1); c.1247A>G, p.Tyr416Cys (NM_001406755.1); c.1124A>G, p.Tyr375Cys (NM_001406757.1); c.1424A>G, p.Tyr475Cys (NM_172056.3); short protein forms Y135C, Y475C, Y416C, Y379C, Y375C.
Identifiers: ClinVar variation 67199 (VCV000067199.3), dbSNP rs199472907, ClinGen allele CA004624.